The following is an entry in ClinVar:

NC_012920.1(MT-ATP6):m.8936T>A

Gene: MT-ATP6 (mitochondrially encoded ATP synthase 6; plus strand).
Variant type: single nucleotide variant.
Genome position: chrM-8936-T-A.
Identifiers: ClinVar variation 1172526 (VCV001172526.1), dbSNP rs1603221920, ClinGen allele CA414799043.
Genomic context (GRCh38, chrMT:8,936, plus strand): 5'-TTCGCTCTAAGATTAAAAATGCCCTAGCCCACTTCTTACCACAAGGCACACCTACACCCC[T>A]TATCCCCATACTAGTTATTATCGAAACCATCAGCCTACTCATTCAACCAATAGCCCTGGC-3'

ClinVar aggregate classification (germline): Uncertain significance (3 of 4 stars; one submission).

Conditions:
Mitochondrial disease. Also called: Mitochondrial disorders; Mitochondrial disorder. Identifiers: Orphanet 68380, MedGen C0751651, MeSH D028361, MONDO:0044970.

Submission:

ClinGen Mitochondrial Disease Nuclear and Mitochondrial  Variant Curation Expert Panel, ClinGen
Classification: Uncertain significance for Mitochondrial disease. Last evaluated: 2021-03-22. Review status: reviewed by expert panel. Criteria: McCormick et al. (Hum Mutat. 2020). Collection method: curation. Allele origin: germline. Inheritance: Mitochondrial inheritance.
Comment: Unaffected mother had lower variant heteroplasmy than the proband in blood (8.26% vs 10.92%) and saliva (5.71% vs 8.26%). Family haplogroup is M30d1. There are no reports of de novo occurrence of this variant. This variant is located at the same amino acid position as another variant in ClinVar (m.8936T>C, ClinVar ID: 693028), but that variant is classified as of uncertain significance so cannot be considered evidence for pathogenicity. There are no large families to consider for evidence of segregation. This variant is absent in population databases (PM2_supporting). In silico tools (APOGEE) predict this variant to be pathogenic (PP3). There are no cybrid or single fiber studies reported on this variant. In summary, this variant meets criteria to be classified as uncertain significance for primary mitochondrial disease inherited in a mitochondrial manner. This classification was approved by the NICHD U24 Mitochondrial Disease Variant Curation Expert Panel on March 22, 2021. Mitochondrial DNA-specific ACMG/AMP criteria applied: PM2_supporting, PP3).